The following is an entry in ClinVar:

ClinVar aggregate classification (germline): Uncertain significance (1 of 4 stars; one submission).

Conditions:
Hereditary cancer-predisposing syndrome. Also called: Neoplastic Syndromes, Hereditary; Hereditary neoplastic syndrome; Tumor predisposition; Hereditary Cancer Syndrome. Identifiers: Orphanet 140162, MedGen C0027672, MeSH D009386, MONDO:0015356.
Cardiovascular phenotype. Identifiers: MedGen CN230736.

gnomAD v4.1: 2 of 1,602,102 alleles (0.00012%); highest among the groups gnomAD compares: Non-Finnish European, 0.00017%; no homozygotes.

Submission:

Ambry Genetics
Classification: Uncertain significance for Cardiovascular phenotype; Hereditary cancer-predisposing syndrome. Last evaluated: 2023-01-19. Review status: criteria provided, single submitter. Criteria: Ambry Variant Classification Scheme 2023. Collection method: clinical testing. Allele origin: germline.
Comment: The p.H287N variant (also known as c.859C>A), located in coding exon 9 of the LZTR1 gene, results from a C to A substitution at nucleotide position 859. The histidine at codon 287 is replaced by asparagine, an amino acid with similar properties. This amino acid position is conserved. In addition, the in silico prediction for this alteration is inconclusive. Since supporting evidence is limited at this time, the clinical significance of this alteration remains unclear.

NM_006767.4(LZTR1):c.859C>A (p.His287Asn)

Gene: LZTR1 (leucine zipper like post translational regulator 1; plus strand). Cytogenetic location: 22q11.21.
Variant type: single nucleotide variant.
Coding change: c.859C>A on transcript NM_006767.4 (MANE Select); coding-DNA position 859, C replaced by A.
Protein change: p.His287Asn; replaces histidine 287 with asparagine.
Molecular consequence: missense variant.
Genome position (GRCh38, 1-based): chr22:20,991,695, C>A. VCF-style: chr22-20991695-C-A. GRCh37 (hg19) VCF-style: chr22-21345984-C-A.
Other names: short protein forms H287N.
Identifiers: ClinVar variation 2496791 (VCV002496791.2), dbSNP rs2518617109, ClinGen allele CA410781271.
Genomic context (GRCh38, chr22:20,991,695, plus strand): 5'-CGCATCCCAACTGAACACCTGCTCCGGGGCTCCCCACCACCCCCGCAGCGGCGCTACGGG[C>A]ATACCATGGTGGCCTTTGACCGCCACCTCTATGTGTTTGGGGGTGCGGCCGACAACACGC-3'
Protein context (NP_006758.2, residues 277-297): SPPPPQRRYG[His287Asn]TMVAFDRHLY